The following is an entry in ClinVar:

NM_000043.6(FAS):c.293C>T (p.Ser98Phe)

Gene: FAS (Fas cell surface death receptor; plus strand). Cytogenetic location: 10q23.31.
Variant type: single nucleotide variant.
Coding change: c.293C>T on transcript NM_000043.6 (MANE Select); coding-DNA position 293, C replaced by T.
Protein change: p.Ser98Phe; replaces serine 98 with phenylalanine.
Molecular consequence: missense variant. On other transcripts: non-coding transcript variant (4).
Genome position (GRCh38, 1-based): chr10:89,007,796, C>T. VCF-style: chr10-89007796-C-T. GRCh37 (hg19) VCF-style: chr10-90767553-C-T.
Other names: c.293C>T, p.Ser98Phe (NM_001320619.2, NM_152871.4, NM_152872.4); c.338C>T, p.Ser113Phe (NM_001410956.1); short protein forms S113F, S98F.
Identifiers: ClinVar variation 4778080 (VCV004778080.1).

ClinVar aggregate classification (germline): Uncertain significance (1 of 4 stars; one submission).

Conditions:
Autoimmune lymphoproliferative syndrome type 1. Also called: AUTOIMMUNE LYMPHOPROLIFERATIVE SYNDROME, TYPE I, AUTOSOMAL DOMINANT. Identifiers: Orphanet 3261, MedGen C2717884, MONDO:0011158, OMIM 601859.

gnomAD v4.1: 2 of 1,614,046 alleles (0.00012%); highest among the groups gnomAD compares: African/African-American, 0.0013%; no homozygotes.

Submission:

Labcorp Genetics (formerly Invitae), Labcorp
Classification: Uncertain significance for Autoimmune lymphoproliferative syndrome. Last evaluated: 2025-02-13. Review status: criteria provided, single submitter. Criteria: Invitae Variant Classification Sherloc (09022015). Collection method: clinical testing. Allele origin: germline.
Comment: This sequence change replaces serine, which is neutral and polar, with phenylalanine, which is neutral and non-polar, at codon 98 of the FAS protein (p.Ser98Phe). This variant is not present in population databases (gnomAD no frequency). This variant has not been reported in the literature in individuals affected with FAS-related conditions. Invitae Evidence Modeling of protein sequence and biophysical properties (such as structural, functional, and spatial information, amino acid conservation, physicochemical variation, residue mobility, and thermodynamic stability) has been performed for this missense variant. However, the output from this modeling did not meet the statistical confidence thresholds required to predict the impact of this variant on FAS protein function. In summary, the available evidence is currently insufficient to determine the role of this variant in disease. Therefore, it has been classified as a Variant of Uncertain Significance.